The following is an entry in ClinVar:

ClinVar aggregate classification (germline): Benign. Review status: criteria provided, multiple submitters, no conflicts (2 of 4 stars). 8 submissions from 8 submitters: Benign (7). 1 of the submissions does not count toward it. Last evaluated 2026-02-04.

Conditions:
Cardiovascular phenotype. Identifiers: MedGen CN230736.
Alstrom syndrome (ALMS). Identifiers: Orphanet 64, MedGen C0268425, MONDO:0008763, OMIM 203800.

Allele frequency attached by ClinVar (database versions not stated): ExAC 0.00518; gnomAD 0.01640 and 0.01749; ESP Exome Variant Server 0.01753; TOPMed 0.01813; 1000 Genomes Project 0.01997; 1000 Genomes Project 30x 0.02139.
gnomAD v4.1: 5,066 of 1,613,794 alleles (0.31%); highest among the groups gnomAD compares: African/African-American, 5.8%; 151 homozygotes.

Submissions (8):

Labcorp Genetics (formerly Invitae), Labcorp
Classification: Benign for Alstrom syndrome. Last evaluated: 2026-02-04. Review status: criteria provided, single submitter. Criteria: Invitae Variant Classification Sherloc (09022015). Collection method: clinical testing. Allele origin: germline.

ARUP Laboratories, Molecular Genetics and Genomics, ARUP Laboratories
Classification: Benign for Alstrom syndrome. Last evaluated: 2025-07-08. Review status: criteria provided, single submitter. Criteria: ARUP Molecular Germline Variant Investigation Process 2024. Collection method: clinical testing. Allele origin: germline.

Athena Diagnostics
Classification: Benign. Last evaluated: 2019-03-21. Review status: criteria provided, single submitter. Criteria: Athena Diagnostics Criteria. Collection method: clinical testing. Allele origin: germline.

Ambry Genetics
Classification: Benign for Cardiovascular phenotype. Last evaluated: 2019-01-07. Review status: criteria provided, single submitter. Criteria: Ambry Variant Classification Scheme 2023. Collection method: clinical testing. Allele origin: germline.

GeneDx
Classification: Benign. Last evaluated: 2016-10-11. Review status: criteria provided, single submitter. Criteria: GeneDx Variant Classification (06012015). Collection method: clinical testing. Allele origin: germline. Affected: yes.
Comment: This variant is considered likely benign or benign based on one or more of the following criteria: it is a conservative change, it occurs at a poorly conserved position in the protein, it is predicted to be benign by multiple in silico algorithms, and/or has population frequency not consistent with disease.

Laboratory for Molecular Medicine, Mass General Brigham Personalized Medicine
Classification: Benign. Last evaluated: 2016-03-21. Review status: criteria provided, single submitter. Criteria: LMM Criteria. Collection method: clinical testing. Allele origin: germline. Observed: 5 variant alleles.
Comment: p.Pro3444Pro in exon 15 of ALMS1: This variant is not expected to have clinical significance because it does not alter an amino acid residue, is not located wit hin the splice consensus sequence, and has been identified in 5.88% (572/9730) o f African chromosomes by the Exome Aggregation Consortium (ExAC; dbSNP rs78108069).

Breakthrough Genomics
Classification: Benign. Review status: criteria provided, single submitter. Criteria: ACMG Guidelines, 2015. Collection method: not provided. Allele origin: germline. Inheritance: Autosomal recessive inheritance. Affected: yes.

Natera, Inc.
Classification: Benign for Alstrom syndrome. Last evaluated: 2020-09-16. Review status: no assertion criteria provided. Collection method: clinical testing. Allele origin: germline. Not counted in ClinVar's aggregate classification.

NM_001378454.1(ALMS1):c.10335C>T (p.Pro3445=)

Gene: ALMS1 (ALMS1 centrosome and basal body associated protein; plus strand). Cytogenetic location: 2p13.1.
Variant type: single nucleotide variant.
Coding change: c.10335C>T on transcript NM_001378454.1 (MANE Select); coding-DNA position 10335, C replaced by T.
Protein change: p.Pro3445=; no amino-acid change (proline 3445 retained).
Molecular consequence: synonymous variant.
Genome position (GRCh38, 1-based): chr2:73,559,093, C>T. VCF-style: chr2-73559093-C-T. GRCh37 (hg19) VCF-style: chr2-73786220-C-T.
Other names: c.10338C>T, p.Pro3446= (NM_015120.4).
Identifiers: ClinVar variation 221013 (VCV000221013.24), dbSNP rs78108069, ClinGen allele CA350386.